The following is an entry in ClinVar:

ClinVar aggregate classification (germline): Uncertain significance. Review status: criteria provided, multiple submitters, no conflicts (2 of 4 stars). 4 submissions from 4 submitters: Uncertain significance (4). Last evaluated 2025-08-27.

Conditions:
Breast-ovarian cancer, familial, susceptibility to, 5 (BROVCA5). Identifiers: MedGen C5830615, MONDO:0957530, OMIM 620442.
Hereditary cancer-predisposing syndrome. Also called: Tumor predisposition; Hereditary Cancer Syndrome; Neoplastic Syndromes, Hereditary; Hereditary neoplastic syndrome. Identifiers: Orphanet 140162, MedGen C0027672, MeSH D009386, MONDO:0015356.
Familial cancer of breast. Also called: BREAST CANCER, FAMILIAL; Hereditary breast cancer; hereditary breast carcinoma. Identifiers: Orphanet 227535, MedGen C0346153, MONDO:0016419, OMIM 114480. Disease mechanism: loss of function.

Submissions (4):

Ambry Genetics
Classification: Uncertain significance for Hereditary cancer-predisposing syndrome. Last evaluated: 2025-08-27. Review status: criteria provided, single submitter. Criteria: Ambry Variant Classification Scheme 2023. Collection method: clinical testing. Allele origin: germline.

KCCC/NGS Laboratory, Kuwait Cancer Control Center
Classification: Uncertain significance for Breast-ovarian cancer, familial, susceptibility to, 5. Last evaluated: 2025-02-06. Review status: criteria provided, single submitter. Criteria: ACMG Guidelines, 2015. Collection method: clinical testing. Allele origin: germline. Inheritance: Autosomal dominant inheritance. Affected: yes. Observed: 1 heterozygote.
Comment: This sequence change replaces leucine with phenylalanine at codon 303 of the PALB2 protein (p.Leu303Phe). This amino acid position is poorly conserved. This variant has not been reported in the literature in individuals with PALB2-related disease. In addition, this alteration is predicted to be tolerated by in silico analysis. In summary, the available evidence is currently insufficient to determine the role of this variant in disease. Therefore, it has been classified as a Variant of Uncertain Significance. Pathogenic/likely pathogenic variants in the PALB2 gene cause susceptibility to breast cancer (OMIM 114480).

Baylor Genetics
Classification: Uncertain significance for Familial cancer of breast. Last evaluated: 2023-07-11. Review status: criteria provided, single submitter. Criteria: ACMG Guidelines, 2015. Collection method: clinical testing. Allele origin: unknown.

Labcorp Genetics (formerly Invitae), Labcorp
Classification: Uncertain significance for Familial cancer of breast. Last evaluated: 2019-10-15. Review status: criteria provided, single submitter. Criteria: Invitae Variant Classification Sherloc (09022015). Collection method: clinical testing. Allele origin: germline.
Comment: In summary, the available evidence is currently insufficient to determine the role of this variant in disease. Therefore, it has been classified as a Variant of Uncertain Significance. Algorithms developed to predict the effect of missense changes on protein structure and function are either unavailable or do not agree on the potential impact of this missense change (SIFT: "Tolerated"; PolyPhen-2: "Possibly Damaging"; Align-GVGD: "Class C0"). This variant has not been reported in the literature in individuals with PALB2-related disease. This variant is not present in population databases (ExAC no frequency). This sequence change replaces leucine with phenylalanine at codon 303 of the PALB2 protein (p.Leu303Phe). The leucine residue is weakly conserved and there is a small physicochemical difference between leucine and phenylalanine.

NM_024675.4(PALB2):c.907C>T (p.Leu303Phe)

Gene: PALB2 (partner and localizer of BRCA2; minus strand). Cytogenetic location: 16p12.2.
Variant type: single nucleotide variant.
Coding change: c.907C>T on transcript NM_024675.4 (MANE Select); coding-DNA position 907, C replaced by T.
Protein change: p.Leu303Phe; replaces leucine 303 with phenylalanine.
Molecular consequence: missense variant.
Genome position (GRCh38, 1-based): chr16:23,635,639, G>A on the plus strand (C>T on the coding strand, the complement: PALB2 is on the minus strand). VCF-style: chr16-23635639-G-A. GRCh37 (hg19) VCF-style: chr16-23646960-G-A.
Other names: short protein forms L303F.
Identifiers: ClinVar variation 822987 (VCV000822987.19), dbSNP rs878855125, ClinGen allele CA395135481.
Genomic context (GRCh38, chr16:23,635,639, plus strand): 5'-CCTCTAAATTAGAACTTGTGGGCAGTTGGCCACTTTTACTTATAGCTTTATTTACAAGGA[G>A]GTTATCTGTAGAGACAGTCATTTTTTTGCCTTGTGCCTCCAAACTTACAGGTGAAGTAAA-3'
Protein context (NP_078951.2, residues 293-313): GKKMTVSTDN[Leu303Phe]LVNKAISKSG